The following is an entry in ClinVar:

NM_015340.4(LARS2):c.1866C>T (p.Ser622=)

Gene: LARS2 (leucyl-tRNA synthetase 2, mitochondrial; plus strand). Cytogenetic location: 3p21.31.
Variant type: single nucleotide variant.
Coding change: c.1866C>T on transcript NM_015340.4 (MANE Select); coding-DNA position 1866, C replaced by T.
Protein change: p.Ser622=; no amino-acid change (serine 622 retained).
Molecular consequence: synonymous variant.
Genome position (GRCh38, 1-based): chr3:45,516,098, C>T. VCF-style: chr3-45516098-C-T. GRCh37 (hg19) VCF-style: chr3-45557590-C-T.
Other names: c.1866C>T, p.Ser622= (NM_001368263.1).
Identifiers: ClinVar variation 1198551 (VCV001198551.16), dbSNP rs765622164, ClinGen allele CA2349718.

ClinVar aggregate classification (germline): Likely benign. Review status: criteria provided, multiple submitters, no conflicts (2 of 4 stars). 3 submissions from 3 submitters: Likely benign (3). Last evaluated 2025-11-01.

Allele frequency attached by ClinVar (database versions not stated): gnomAD 0.00001; gnomAD exomes 0.00002 and 0.00006; TOPMed 0.00003; ExAC 0.00007.
gnomAD v4.1: 24 of 1,613,548 alleles (0.0015%); highest among the groups gnomAD compares: Admixed American, 0.017%; 1 homozygote.

Submissions (3):

CeGaT Center for Human Genetics Tuebingen
Classification: Likely benign. Last evaluated: 2025-11-01. Review status: criteria provided, single submitter. Criteria: CeGaT Center For Human Genetics Tuebingen Variant Classification Criteria Version 2. Collection method: clinical testing. Allele origin: germline. Affected: yes. Observed: 1 variant allele.
Comment: LARS2: BP4, BP7

Labcorp Genetics (formerly Invitae), Labcorp
Classification: Likely benign. Last evaluated: 2025-07-22. Review status: criteria provided, single submitter. Criteria: Invitae Variant Classification Sherloc (09022015). Collection method: clinical testing. Allele origin: germline.

GeneDx
Classification: Likely benign. Last evaluated: 2019-05-09. Review status: criteria provided, single submitter. Criteria: GeneDx Variant Classification Process June 2021. Collection method: clinical testing. Allele origin: germline. Affected: yes.